The following is an entry in ClinVar:

ClinVar aggregate classification (germline): Conflicting classifications of pathogenicity. Review status: criteria provided, conflicting classifications (1 of 4 stars). 4 submissions from 4 submitters: Likely pathogenic (1); Uncertain significance (3). Last evaluated 2026-08-06.

Conditions:
Long QT syndrome 2 (LQT2). Identifiers: Orphanet 101016, Orphanet 768, MedGen C3150943, MONDO:0013367, OMIM 613688.
Short QT syndrome type 1. Identifiers: Orphanet 51083, MedGen C1865020, MONDO:0012312, OMIM 609620.
Cardiovascular phenotype. Identifiers: MedGen CN230736.
Long QT syndrome (LQTS). Identifiers: MedGen C0023976, MeSH D008133, MONDO:0002442. Disease mechanism: loss of function. Inheritance: Various modes of inheritance.

Allele frequency attached by ClinVar (database versions not stated): ExAC 0.00001; gnomAD exomes 0.00001.
gnomAD v4.1: 9 of 1,614,030 alleles (0.00056%); highest among the groups gnomAD compares: East Asian, 0.0045%; no homozygotes.

Submissions (4):

Institute of Human Genetics, University of Leipzig Medical Center
Classification: Likely pathogenic for Long QT syndrome 2. Last evaluated: 2026-08-06. Review status: criteria provided, single submitter. Criteria: ACMG Guidelines, 2015. Collection method: clinical testing. Allele origin: unknown. Inheritance: Autosomal dominant inheritance. Affected: yes.
Comment: Criteria applied: PS4,PM2_SUP,PP2,PP3

Ambry Genetics
Classification: Uncertain significance for Cardiovascular phenotype. Last evaluated: 2025-07-11. Review status: criteria provided, single submitter. Criteria: Ambry Variant Classification Scheme 2023. Collection method: clinical testing. Allele origin: germline.
Comment: The p.P393L variant (also known as c.1178C>T), located in coding exon 6 of the KCNH2 gene, results from a C to T substitution at nucleotide position 1178. The proline at codon 393 is replaced by leucine, an amino acid with similar properties. This variant has been reported in long QT syndrome (LQTS) cohorts (Aziz PF et al. Circ Arrhythm Electrophysiol, 2011 Dec;4:867-73; Westphal DS et al. Mol Genet Genomic Med, 2020 Sep;8:e1300). This amino acid position is highly conserved in available vertebrate species. In addition, this alteration is predicted to be deleterious by in silico analysis. Based on the available evidence, the clinical significance of this variant remains unclear.

Labcorp Genetics (formerly Invitae), Labcorp
Classification: Uncertain significance for Long QT syndrome. Last evaluated: 2024-03-25. Review status: criteria provided, single submitter. Criteria: Invitae Variant Classification Sherloc (09022015). Collection method: clinical testing. Allele origin: germline.
Comment: This sequence change replaces proline, which is neutral and non-polar, with leucine, which is neutral and non-polar, at codon 393 of the KCNH2 protein (p.Pro393Leu). This variant is present in population databases (rs769814960, gnomAD 0.01%). This missense change has been observed in individuals with long QT syndrome (PMID: 21956039). ClinVar contains an entry for this variant (Variation ID: 933401). An algorithm developed to predict the effect of missense changes on protein structure and function (PolyPhen-2) suggests that this variant is likely to be disruptive. In summary, the available evidence is currently insufficient to determine the role of this variant in disease. Therefore, it has been classified as a Variant of Uncertain Significance.

Fulgent Genetics
Classification: Uncertain significance for Short QT syndrome type 1; Long QT syndrome 2. Last evaluated: 2021-07-05. Review status: criteria provided, single submitter. Criteria: ACMG Guidelines, 2015. Collection method: clinical testing. Allele origin: unknown.

Literature cited by the submitters: PubMed 21956039 (cited by Ambry Genetics and Labcorp Genetics (formerly Invitae), Labcorp); PubMed 32383558 (cited by Ambry Genetics).

NM_000238.4(KCNH2):c.1178C>T (p.Pro393Leu)

Gene: KCNH2 (potassium voltage-gated channel subfamily H member 2; minus strand). Cytogenetic location: 7q36.1.
Variant type: single nucleotide variant.
Coding change: c.1178C>T on transcript NM_000238.4 (MANE Select); coding-DNA position 1178, C replaced by T.
Protein change: p.Pro393Leu; replaces proline 393 with leucine.
Molecular consequence: missense variant.
Genome position (GRCh38, 1-based): chr7:150,952,804, G>A on the plus strand (C>T on the coding strand, the complement: KCNH2 is on the minus strand). VCF-style: chr7-150952804-G-A. GRCh37 (hg19) VCF-style: chr7-150649892-G-A.
Other names: c.158C>T, p.Pro53Leu (NM_001204798.2, NM_172057.3); c.890C>T, p.Pro297Leu (NM_001406753.1, NM_001406756.1); c.1001C>T, p.Pro334Leu (NM_001406755.1); c.878C>T, p.Pro293Leu (NM_001406757.1); c.1178C>T, p.Pro393Leu (NM_172056.3); short protein forms P393L, P53L, P297L, P334L, P293L.
Identifiers: ClinVar variation 933401 (VCV000933401.10), dbSNP rs769814960, ClinGen allele CA027297.